The following is an entry in ClinVar:

ClinVar aggregate classification (germline): Conflicting classifications of pathogenicity. Review status: criteria provided, conflicting classifications (1 of 4 stars). 16 submissions from 16 submitters: Uncertain significance (2); Benign (7); Likely benign (2). 5 of the submissions do not count toward it. Last evaluated 2026-09-01.

Conditions:
Autosomal recessive limb-girdle muscular dystrophy type 2J (LGMDR10). Also called: Limb-girdle muscular dystrophy, type 2J; MUSCULAR DYSTROPHY, LIMB-GIRDLE, AUTOSOMAL RECESSIVE 10. Identifiers: Orphanet 140922, MedGen C1837342, MONDO:0012127, OMIM 608807.
Dilated cardiomyopathy 1G (CMD1G). Identifiers: Orphanet 154, MedGen C1858763, MONDO:0011400, OMIM 604145.
Cardiomyopathy (CMYO). Also called: Cardiomyopathies. Identifiers: Orphanet 167848, MedGen C0878544, MONDO:0004994, HP:0001638. Inheritance: Various modes of inheritance.
Tip-toe gait. Also called: Toe walking. Identifiers: MedGen C0427144, HP:0030051.

Allele frequency attached by ClinVar (database versions not stated): gnomAD 0.00274 and 0.00276; gnomAD exomes 0.00376 and 0.00224; ExAC 0.00430; ESP Exome Variant Server 0.00050; TOPMed 0.00055; 1000 Genomes Project 30x 0.00203; 1000 Genomes Project 0.00220.
gnomAD v4.1: 3,631 of 1,610,926 alleles (0.23%); highest among the groups gnomAD compares: South Asian, 0.71%; 28 homozygotes.

Submissions (16):

CeGaT Center for Human Genetics Tuebingen
Classification: Likely benign. Last evaluated: 2026-09-01. Review status: criteria provided, single submitter. Criteria: CeGaT Center For Human Genetics Tuebingen Variant Classification Criteria Version 2. Collection method: clinical testing. Allele origin: germline. Affected: yes. Observed: 10 variant alleles.
Comment: TTN: BP4

Labcorp Genetics (formerly Invitae), Labcorp
Classification: Benign for Dilated cardiomyopathy 1G; Autosomal recessive limb-girdle muscular dystrophy type 2J. Last evaluated: 2026-02-03. Review status: criteria provided, single submitter. Criteria: Invitae Variant Classification Sherloc (09022015). Collection method: clinical testing. Allele origin: germline.

Molecular Diagnostic Laboratory for Inherited Cardiovascular Disease, Montreal Heart Institute
Classification: Benign. Last evaluated: 2025-04-09. Review status: criteria provided, single submitter. Criteria: ACMG Guidelines, 2015. Collection method: clinical testing. Allele origin: germline. Affected: no.

Blueprint Genetics
Classification: Benign. Last evaluated: 2024-11-25. Review status: criteria provided, single submitter. Criteria: ACMG Guidelines, 2015. Collection method: clinical testing. Allele origin: germline.

Women's Health and Genetics/Laboratory Corporation of America, LabCorp
Classification: Likely benign. Last evaluated: 2020-06-10. Review status: criteria provided, single submitter. Criteria: LabCorp Variant Classification Summary - May 2015. Collection method: clinical testing. Allele origin: germline.

CHEO Genetics Diagnostic Laboratory, Children's Hospital of Eastern Ontario
Classification: Benign for Cardiomyopathy. Last evaluated: 2017-11-30. Review status: criteria provided, single submitter. Criteria: ACMG Guidelines, 2015. Collection method: clinical testing. Allele origin: germline.

GeneDx
Classification: Benign. Last evaluated: 2017-04-20. Review status: criteria provided, single submitter. Criteria: GeneDx Variant Classification (06012015). Collection method: clinical testing. Allele origin: germline. Affected: yes.
Comment: This variant is considered likely benign or benign based on one or more of the following criteria: it is a conservative change, it occurs at a poorly conserved position in the protein, it is predicted to be benign by multiple in silico algorithms, and/or has population frequency not consistent with disease.

Laboratory for Molecular Medicine, Mass General Brigham Personalized Medicine
Classification: Benign. Last evaluated: 2015-03-12. Review status: criteria provided, single submitter. Criteria: LMM Criteria. Collection method: clinical testing. Allele origin: germline. Observed: 7 variant alleles.
Comment: p.Ile7711Val in exon 90 of TTN: This variant is not expected to have clinical si gnificance because it has been identified in 3.1% (162/5240) of Finnish chromoso mes by the Exome Aggregation Consortium (ExAC; d bSNP rs72648994).

Eurofins Ntd Llc (ga)
Classification: Benign. Last evaluated: 2015-03-06. Review status: criteria provided, single submitter. Criteria: EGL Classification Definitions 2015. Collection method: clinical testing. Allele origin: germline. Observed: 3 variant alleles, 3 heterozygotes.

Genetic Services Laboratory, University of Chicago
Classification: Uncertain significance. Last evaluated: 2013-12-23. Review status: criteria provided, single submitter. Criteria: ACMG Guidelines, 2007. Collection method: clinical testing. Allele origin: germline.

Biesecker Lab/Clinical Genomics Section, National Institutes of Health
Classification: Uncertain significance. Last evaluated: 2013-06-24. Review status: criteria provided, single submitter. Criteria: Ng et al. (Circ Cardiovasc Genet. 2013). Collection method: research. Allele origin: unknown. Observed: 1 variant allele. Study: ClinSeq.
Comment: The study set was not selected for affection status in relation to any cancer. Pathogenicity categories were based on literature curation. See Pubmed ID:23861362 for details.

Medical sequencing

Clinical Genetics DNA and cytogenetics Diagnostics Lab, Erasmus MC, Erasmus Medical Center
Classification: Likely benign. Review status: no assertion criteria provided. Collection method: clinical testing. Allele origin: germline. Affected: yes. Study: VKGL Data-share Consensus. Not counted in ClinVar's aggregate classification.

Clinical Genetics, Academic Medical Center
Classification: Benign. Review status: no assertion criteria provided. Collection method: clinical testing. Allele origin: germline. Affected: yes. Study: VKGL Data-share Consensus. Not counted in ClinVar's aggregate classification.

Diagnostic Laboratory, Department of Genetics, University Medical Center Groningen
Classification: Benign. Review status: no assertion criteria provided. Collection method: clinical testing. Allele origin: germline. Affected: yes. Study: VKGL Data-share Consensus. Not counted in ClinVar's aggregate classification.

Joint Genome Diagnostic Labs from Nijmegen and Maastricht, Radboudumc and MUMC+
Classification: Benign. Review status: no assertion criteria provided. Collection method: clinical testing. Allele origin: germline. Affected: yes. Study: VKGL Data-share Consensus. Not counted in ClinVar's aggregate classification.

Practice for Gait Abnormalities, David Pomarino, Competency Network Toe Walking C/o Practice Pomarino
Classification: Likely pathogenic for Tip-toe gait. Review status: no assertion criteria provided. Collection method: clinical testing. Allele origin: germline. Affected: yes. Not counted in ClinVar's aggregate classification.
Comment: Myopathy refers to diseases that affect skeletal Muscles. These diseases attack muscle fibers, making muscles weak. Inherited myopathies are often caused by inheriting an abnormal gene mutation from a parent that causes the disease. Symptoms of congenital myopathies usually start at birth or in early childhood, but may not appear until the teen years or even later in adulthood. Congenital myopathies are somewhat unique compared with other inherited myopathies, as weakness typically affects all muscles and is often not progressive. Symptoms are: Muscle weakness, most commonly of upper arms and shoulders and thighs, muscle cramps, stiffness and spasms, fatigue with exertion and lack of energy. Our patients all walk on tiptoe, so they show similar symptoms. When we genetically test them with our toe walking panel, we find that around 90 per cent of them have a genetic variant that explains their toe walking. These can be assigned, for example, to the area of myopathies (such as variants of the COL6A3 gene), the area of hereditary neuropathies (such as variants of the KMT2C gene) or the area of metabolic diseases (such as variants of the PYGM gene). In a smaller group of patients with almost identical symptoms, no abnormality is found in the genes of our panel, but spastic paraplegia can be detected. In another small group of our toe walkers, no abnormalities can be detected in the genes analysed in our toe walking panel, nor do they suffer from spastic paraplegia, as is also the case with healthy children. In contrast to these, however, they show a tiptoe gait. These patients suffer from infantile cerebral palsy, in which toe walking can also be observed.

Literature cited by the submitters: PubMed 37091313 (cited by Practice for Gait Abnormalities, David Pomarino, Competency Network Toe Walking C/o Practice Pomarino).

NM_001267550.2(TTN):c.26863A>G (p.Ile8955Val)

Gene: TTN (titin; minus strand). Cytogenetic location: 2q31.2.
Variant type: single nucleotide variant.
Coding change: c.26863A>G on transcript NM_001267550.2 (MANE Select); coding-DNA position 26863, A replaced by G.
Protein change: p.Ile8955Val; replaces isoleucine 8955 with valine.
Molecular consequence: missense variant. On other transcripts: intron variant (3).
Genome position (GRCh38, 1-based): chr2:178,713,271, T>C on the plus strand (A>G on the coding strand, the complement: TTN is on the minus strand). VCF-style: chr2-178713271-T-C. GRCh37 (hg19) VCF-style: chr2-179577998-T-C.
Other names: p.I8638V:ATC>GTC; c.25912A>G, p.Ile8638Val (NM_001256850.1); c.23131A>G, p.Ile7711Val (NM_133378.4); c.13282+24811A>G (NM_003319.4); c.13858+24811A>G (NM_133437.4); c.13657+24811A>G (NM_133432.3); short protein forms I8955V, I7711V, I8638V.
Identifiers: ClinVar variation 130664 (VCV000130664.65), dbSNP rs72648994, ClinGen allele CA181864.